The following is an entry in ClinVar:

NM_006231.4(POLE):c.277A>G (p.Arg93Gly)

Gene: POLE (DNA polymerase epsilon, catalytic subunit; minus strand). Cytogenetic location: 12q24.33.
Variant type: single nucleotide variant.
Coding change: c.277A>G on transcript NM_006231.4 (MANE Select); coding-DNA position 277, A replaced by G.
Protein change: p.Arg93Gly; replaces arginine 93 with glycine.
Molecular consequence: missense variant.
Genome position (GRCh38, 1-based): chr12:132,680,615, T>C on the plus strand (A>G on the coding strand, the complement: POLE is on the minus strand). VCF-style: chr12-132680615-T-C. GRCh37 (hg19) VCF-style: chr12-133257201-T-C.
Other names: short protein forms R93G.
Identifiers: ClinVar variation 1483540 (VCV001483540.11), dbSNP rs2136030920, ClinGen allele CA387369061.

ClinVar aggregate classification (germline): Uncertain significance. Review status: criteria provided, multiple submitters, no conflicts (2 of 4 stars). 2 submissions from 2 submitters: Uncertain significance (2). Last evaluated 2025-01-17.

Conditions:
Hereditary cancer-predisposing syndrome. Also called: Hereditary neoplastic syndrome; Neoplastic Syndromes, Hereditary; Hereditary Cancer Syndrome; Tumor predisposition. Identifiers: Orphanet 140162, MedGen C0027672, MeSH D009386, MONDO:0015356.

Allele frequency attached by ClinVar (database versions not stated): gnomAD exomes 0.00001.
gnomAD v4.1: 6 of 1,613,370 alleles (0.00037%); highest among the groups gnomAD compares: South Asian, 0.0011%; no homozygotes.

Submissions (2):

Labcorp Genetics (formerly Invitae), Labcorp
Classification: Uncertain significance. Last evaluated: 2025-01-17. Review status: criteria provided, single submitter. Criteria: Invitae Variant Classification Sherloc (09022015). Collection method: clinical testing. Allele origin: germline.
Comment: This sequence change replaces arginine, which is basic and polar, with glycine, which is neutral and non-polar, at codon 93 of the POLE protein (p.Arg93Gly). This variant is not present in population databases (gnomAD no frequency). This variant has not been reported in the literature in individuals affected with POLE-related conditions. ClinVar contains an entry for this variant (Variation ID: 1483540). Invitae Evidence Modeling of protein sequence and biophysical properties (such as structural, functional, and spatial information, amino acid conservation, physicochemical variation, residue mobility, and thermodynamic stability) indicates that this missense variant is not expected to disrupt POLE protein function with a negative predictive value of 80%. In summary, the available evidence is currently insufficient to determine the role of this variant in disease. Therefore, it has been classified as a Variant of Uncertain Significance.

Ambry Genetics
Classification: Uncertain significance for Hereditary cancer-predisposing syndrome. Last evaluated: 2024-12-31. Review status: criteria provided, single submitter. Criteria: Ambry Variant Classification Scheme 2023. Collection method: clinical testing. Allele origin: germline.
Comment: The p.R93G variant (also known as c.277A>G), located in coding exon 3 of the POLE gene, results from an A to G substitution at nucleotide position 277. The arginine at codon 93 is replaced by glycine, an amino acid with dissimilar properties. This amino acid position is conserved. In addition, the in silico prediction for this alteration is inconclusive. Since supporting evidence is limited at this time, the clinical significance of this alteration remains unclear.